The following is an entry in ClinVar:

NM_000359.3(TGM1):c.2090T>G (p.Leu697Ter)

Gene: TGM1 (transglutaminase 1; minus strand). Cytogenetic location: 14q12.
Variant type: single nucleotide variant.
Coding change: c.2090T>G on transcript NM_000359.3 (MANE Select); coding-DNA position 2090, T replaced by G.
Protein change: p.Leu697Ter; replaces leucine 697 with a stop codon.
Molecular consequence: nonsense.
Genome position (GRCh38, 1-based): chr14:24,254,287, A>C on the plus strand (T>G on the coding strand, the complement: TGM1 is on the minus strand). VCF-style: chr14-24254287-A-C. GRCh37 (hg19) VCF-style: chr14-24723493-A-C.
Other names: c.2090T>G (NM_000359.2); short protein forms L697*.
Identifiers: ClinVar variation 1459722 (VCV001459722.9), dbSNP rs747781875, ClinGen allele CA7130883.

ClinVar aggregate classification (germline): Pathogenic. Review status: criteria provided, multiple submitters, no conflicts (2 of 4 stars). 3 submissions from 3 submitters: Pathogenic (3). Last evaluated 2025-05-02.

Conditions:
Autosomal recessive congenital ichthyosis 1 (LI1). Also called: ICHTHYOSIS CONGENITA; ICHTHYOSIS CONGENITA II; LAMELLAR EXFOLIATION OF NEWBORN; ICHTHYOSIS, CONGENITAL, AUTOSOMAL RECESSIVE 1, WITH BATHING SUIT DISTRIBUTION; ICHTHYOSIS, CONGENITAL, AUTOSOMAL RECESSIVE 1, WITH OR WITHOUT BATHING SUIT DISTRIBUTION; COLLODION FETUS. Identifiers: MedGen C4551630, MONDO:0009441, OMIM 242300.

Allele frequency attached by ClinVar (database versions not stated): gnomAD exomes below 0.00001; ExAC 0.00001.
gnomAD v4.1: 2 of 1,614,020 alleles (0.00012%); highest among the groups gnomAD compares: Non-Finnish European, 0.00017%; no homozygotes.

Submissions (3):

Labcorp Genetics (formerly Invitae), Labcorp
Classification: Pathogenic. Last evaluated: 2025-05-02. Review status: criteria provided, single submitter. Criteria: Invitae Variant Classification Sherloc (09022015). Collection method: clinical testing. Allele origin: germline.
Comment: This sequence change creates a premature translational stop signal (p.Leu697*) in the TGM1 gene. It is expected to result in an absent or disrupted protein product. Loss-of-function variants in TGM1 are known to be pathogenic (PMID: 18948357, 19241467). This variant is present in population databases (rs747781875, gnomAD 0.0009%). This premature translational stop signal has been observed in individual(s) with TGM1-related conditions (PMID: 18948357, 19241467). ClinVar contains an entry for this variant (Variation ID: 1459722). For these reasons, this variant has been classified as Pathogenic.

GeneDx
Classification: Pathogenic. Last evaluated: 2023-01-31. Review status: criteria provided, single submitter. Criteria: GeneDx Variant Classification Process June 2021. Collection method: clinical testing. Allele origin: germline. Affected: yes.
Comment: Nonsense variant predicted to result in protein truncation or nonsense mediated decay in a gene for which loss of function is a known mechanism of disease; Not observed at significant frequency in large population cohorts (gnomAD); This variant is associated with the following publications: (PMID: 25525159, 18948357, 19241467)

Baylor Genetics
Classification: Pathogenic for Autosomal recessive congenital ichthyosis 1. Last evaluated: 2022-08-16. Review status: criteria provided, single submitter. Criteria: ACMG Guidelines, 2015. Collection method: clinical testing. Allele origin: unknown.

Literature cited by the submitters: PubMed 18948357 (cited by Labcorp Genetics (formerly Invitae), Labcorp); PubMed 19241467 (cited by Labcorp Genetics (formerly Invitae), Labcorp).